The following is an entry in ClinVar:

ClinVar aggregate classification (germline): Uncertain significance (1 of 4 stars; one submission).

Conditions:
Hereditary cancer-predisposing syndrome. Also called: Neoplastic Syndromes, Hereditary; Tumor predisposition; Hereditary Cancer Syndrome; Hereditary neoplastic syndrome. Identifiers: Orphanet 140162, MedGen C0027672, MeSH D009386, MONDO:0015356.

Submission:

Ambry Genetics
Classification: Uncertain significance for Hereditary cancer-predisposing syndrome. Last evaluated: 2026-05-27. Review status: criteria provided, single submitter. Criteria: Ambry Variant Classification Scheme 2023. Collection method: clinical testing. Allele origin: germline.
Comment: The p.N1808I variant (also known as c.5423A>T), located in coding exon 15 of the APC gene, results from an A to T substitution at nucleotide position 5423. The asparagine at codon 1808 is replaced by isoleucine, an amino acid with dissimilar properties. This amino acid position is conserved. In addition, in silico predictors for this gene do not accurately predict pathogenicity. Based on the available evidence, the clinical significance of this variant remains unclear.

NM_000038.6(APC):c.5423A>T (p.Asn1808Ile)

Gene: APC (APC regulator of Wnt signaling pathway; plus strand). Cytogenetic location: 5q22.2.
Variant type: single nucleotide variant.
Coding change: c.5423A>T on transcript NM_000038.6 (MANE Select); coding-DNA position 5423, A replaced by T.
Protein change: p.Asn1808Ile; replaces asparagine 1808 with isoleucine.
Molecular consequence: missense variant. On other transcripts: non-coding transcript variant (2).
Genome position (GRCh38, 1-based): chr5:112,841,017, A>T. VCF-style: chr5-112841017-A-T. GRCh37 (hg19) VCF-style: chr5-112176714-A-T.
Other names: c.5423A>T, p.Asn1808Ile (NM_001127510.3, NM_001354895.2, NM_001407450.1); c.5369A>T, p.Asn1790Ile (NM_001127511.3); c.5477A>T, p.Asn1826Ile (NM_001354896.2, NM_001407447.1, NM_001407448.1 and 1 more transcripts); c.5453A>T, p.Asn1818Ile (NM_001354897.2); c.5348A>T, p.Asn1783Ile (NM_001354898.2); c.5339A>T, p.Asn1780Ile (NM_001354899.2); c.5300A>T, p.Asn1767Ile (NM_001354900.2); c.5246A>T, p.Asn1749Ile (NM_001354901.2, NM_001407453.1); and 11 more; short protein forms N1424I, N1525I, N1648I, N1679I, N1682I, N1707I, N1717I, N1725I.
Identifiers: ClinVar variation 4861867 (VCV004861867.1).
Genomic context (GRCh38, chr5:112,841,017, plus strand): 5'-GTGTAAGAAAAAATGCAGACTCAAAAAATAATTTAAATGCTGAGAGAGTTTTCTCAGACA[A>T]CAAAGATTCAAAGAAACAGAATTTGAAAAATAATTCCAAGGTCTTCAATGATAAGCTCCC-3'
Protein context (NP_000029.2, residues 1798-1818): NLNAERVFSD[Asn1808Ile]KDSKKQNLKN